The following is an entry in ClinVar:

NM_000262.3(NAGA):c.365T>C (p.Met122Thr)

Genes: NAGA (alpha-N-acetylgalactosaminidase; minus strand), LOC126863160 (CDK7 strongly-dependent group 2 enhancer GRCh37_chr22:42462918-42464117; plus strand). Cytogenetic location: 22q13.2.
Variant type: single nucleotide variant.
Coding change: c.365T>C on transcript NM_000262.3 (MANE Select); coding-DNA position 365, T replaced by C.
Protein change: p.Met122Thr; replaces methionine 122 with threonine.
Molecular consequence: missense variant.
Genome position (GRCh38, 1-based): chr22:42,067,250, A>G on the plus strand (T>C on the coding strand, the complement: NAGA is on the minus strand). VCF-style: chr22-42067250-A-G. GRCh37 (hg19) VCF-style: chr22-42463254-A-G.
Other names: c.365T>C, p.Met122Thr (NM_001362848.1, NM_001362850.1); short protein forms M122T.
Identifiers: ClinVar variation 1350016 (VCV001350016.5), dbSNP rs1435943514, ClinGen allele CA411768919.

ClinVar aggregate classification (germline): Uncertain significance (1 of 4 stars; one submission).

Conditions:
Alpha-N-acetylgalactosaminidase deficiency type 1. Also called: SCHINDLER DISEASE, TYPE I; NAGA DEFICIENCY, TYPE I; NEUROAXONAL DYSTROPHY, SCHINDLER TYPE; ALPHA-N-ACETYLGALACTOSAMINIDASE DEFICIENCY, TYPE I. Identifiers: Orphanet 3137, Orphanet 79279, Orphanet 79281, MedGen C1836544, MONDO:0012221, OMIM 609241.

Allele frequency attached by ClinVar (database versions not stated): gnomAD exomes below 0.00001.

Submission:

Labcorp Genetics (formerly Invitae), Labcorp
Classification: Uncertain significance for Alpha-N-acetylgalactosaminidase deficiency type 1. Last evaluated: 2021-11-08. Review status: criteria provided, single submitter. Criteria: Invitae Variant Classification Sherloc (09022015). Collection method: clinical testing. Allele origin: germline.
Comment: This variant is present in population databases (no rsID available, gnomAD 0.0009%). This sequence change replaces methionine, which is neutral and non-polar, with threonine, which is neutral and polar, at codon 122 of the NAGA protein (p.Met122Thr). This variant has not been reported in the literature in individuals affected with NAGA-related conditions. In summary, the available evidence is currently insufficient to determine the role of this variant in disease. Therefore, it has been classified as a Variant of Uncertain Significance. Algorithms developed to predict the effect of missense changes on protein structure and function (SIFT, PolyPhen-2, Align-GVGD) all suggest that this variant is likely to be tolerated.